The following is an entry in ClinVar:

NM_000264.5(PTCH1):c.898del (p.Ala300fs)

Gene: PTCH1 (patched 1; minus strand). Cytogenetic location: 9q22.32.
Variant type: Deletion.
Coding change: c.898del on transcript NM_000264.5 (MANE Select); coding-DNA position 898, one base deleted (G; older notation c.898delG).
Protein change: p.Ala300fs; shifts the reading frame from alanine 300.
Molecular consequence: frameshift variant. On other transcripts: non-coding transcript variant (1).
Genome position (GRCh38, 1-based): chr9:95,480,437, C deleted on the plus strand (G on the coding strand, the reverse complement: PTCH1 is on the minus strand); the first of 2 consecutive C bases (chr9:95,480,437-95,480,438); deleting either gives the same sequence. VCF-style (leftmost placement, unchanged base first): chr9-95480436-GC-G. GRCh37 (hg19) VCF-style: chr9-98242718-GC-G.
Other names: c.700del, p.Ala234fs (NM_001083602.3); c.895del, p.Ala299fs (NM_001083603.3); c.445del, p.Ala149fs (NM_001083604.3, NM_001083605.3, NM_001083606.3 and 1 more transcripts); c.898del, p.Ala300fs (NM_001354918.2); short protein forms A234fs, A300fs, A149fs, A299fs.
Identifiers: ClinVar variation 2735294 (VCV002735294.3), dbSNP rs2538231304, ClinGen allele CA891842069.

ClinVar aggregate classification (germline): Pathogenic (1 of 4 stars; one submission).

Conditions:
Gorlin syndrome. Also called: Basal cell nevus syndrome; Nevoid Basal Cell Carcinoma Syndrome. Identifiers: Orphanet 377, MedGen C0004779, MONDO:0007187.

Submission:

Labcorp Genetics (formerly Invitae), Labcorp
Classification: Pathogenic for Gorlin syndrome. Last evaluated: 2023-09-09. Review status: criteria provided, single submitter. Criteria: Invitae Variant Classification Sherloc (09022015). Collection method: clinical testing. Allele origin: germline.
Comment: For these reasons, this variant has been classified as Pathogenic. This variant has not been reported in the literature in individuals affected with PTCH1-related conditions. This variant is not present in population databases (gnomAD no frequency). This sequence change creates a premature translational stop signal (p.Ala300Profs*24) in the PTCH1 gene. It is expected to result in an absent or disrupted protein product. Loss-of-function variants in PTCH1 are known to be pathogenic (PMID: 16301862, 16419085).

Literature cited by the submitters: PubMed 16301862; PubMed 16419085.